The following is an entry in ClinVar:

NM_001130823.3(DNMT1):c.3149G>C (p.Ser1050Thr)

Gene: DNMT1 (DNA methyltransferase 1; minus strand). Cytogenetic location: 19p13.2.
Variant type: single nucleotide variant.
Coding change: c.3149G>C on transcript NM_001130823.3 (MANE Select); coding-DNA position 3149, G replaced by C.
Protein change: p.Ser1050Thr; replaces serine 1050 with threonine.
Molecular consequence: missense variant.
Genome position (GRCh38, 1-based): chr19:10,142,188, C>G on the plus strand (G>C on the coding strand, the complement: DNMT1 is on the minus strand). VCF-style: chr19-10142188-C-G. GRCh37 (hg19) VCF-style: chr19-10252864-C-G.
Other names: c.3101G>C, p.Ser1034Thr (NM_001318730.2, NM_001379.4); c.2786G>C, p.Ser929Thr (NM_001318731.2); short protein forms S1034T, S1050T, S929T.
Identifiers: ClinVar variation 1727653 (VCV001727653.3), dbSNP rs2513786206, ClinGen allele CA403975490.

ClinVar aggregate classification (germline): Uncertain significance. Review status: criteria provided, multiple submitters, no conflicts (2 of 4 stars). 2 submissions from 2 submitters: Uncertain significance (2). Last evaluated 2023-06-22.

Conditions:
Inborn genetic diseases. Identifiers: MedGen C0950123, MeSH D030342.

Submissions (2):

GeneDx
Classification: Uncertain significance. Last evaluated: 2023-06-22. Review status: criteria provided, single submitter. Criteria: GeneDx Variant Classification Process June 2021. Collection method: clinical testing. Allele origin: germline. Affected: yes.
Comment: Not observed at significant frequency in large population cohorts (gnomAD); In silico analysis supports that this missense variant does not alter protein structure/function; Has not been previously published as pathogenic or benign to our knowledge

Ambry Genetics
Classification: Uncertain significance for Inborn genetic diseases. Last evaluated: 2021-02-05. Review status: criteria provided, single submitter. Criteria: Ambry Variant Classification Scheme 2023. Collection method: clinical testing. Allele origin: germline.
Comment: The p.S1034T variant (also known as c.3101G>C), located in coding exon 29 of the DNMT1 gene, results from a G to C substitution at nucleotide position 3101. The serine at codon 1034 is replaced by threonine, an amino acid with similar properties. This amino acid position is not well conserved in available vertebrate species, and threonine is the reference amino acid in other vertebrate species. In addition, this alteration is predicted to be tolerated by in silico analysis. Since supporting evidence is limited at this time, the clinical significance of this alteration remains unclear.